The following is an entry in ClinVar:

ClinVar aggregate classification (germline): Conflicting classifications of pathogenicity. Review status: criteria provided, conflicting classifications (1 of 4 stars). 3 submissions from 3 submitters: Uncertain significance (2); Likely benign (1). Last evaluated 2026-02-11.

Conditions:
Hereditary cancer-predisposing syndrome. Also called: Tumor predisposition; Neoplastic Syndromes, Hereditary; Hereditary Cancer Syndrome; Hereditary neoplastic syndrome. Identifiers: Orphanet 140162, MedGen C0027672, MeSH D009386, MONDO:0015356.
Tuberous sclerosis 2 (TSC2). Identifiers: Orphanet 805, MedGen C1860707, MONDO:0013199, OMIM 613254.

Allele frequency attached by ClinVar (database versions not stated): gnomAD exomes below 0.00001; TOPMed below 0.00001; gnomAD 0.00001.
gnomAD v4.1: 3 of 1,613,782 alleles (0.00019%); highest among the groups gnomAD compares: Non-Finnish European, 0.00025%; no homozygotes.

Submissions (3):

Ambry Genetics
Classification: Uncertain significance for Hereditary cancer-predisposing syndrome. Last evaluated: 2026-02-11. Review status: criteria provided, single submitter. Criteria: Ambry Variant Classification Scheme 2023. Collection method: clinical testing. Allele origin: germline.
Comment: The c.2220+5C>T intronic variant results from a C to T substitution 5 nucleotides after coding exon 19 in the TSC2 gene. This nucleotide position is well conserved on limited sequence alignment. In silico splice site analysis for this alteration is inconclusive. Based on the available evidence, the clinical significance of this variant remains unclear.

Labcorp Genetics (formerly Invitae), Labcorp
Classification: Likely benign for Tuberous sclerosis 2. Last evaluated: 2024-12-12. Review status: criteria provided, single submitter. Criteria: Invitae Variant Classification Sherloc (09022015). Collection method: clinical testing. Allele origin: germline.

Genome-Nilou Lab
Classification: Uncertain significance for Tuberous sclerosis 2. Last evaluated: 2021-11-07. Review status: criteria provided, single submitter. Criteria: ACMG Guidelines, 2015. Collection method: clinical testing. Allele origin: germline. Affected: no.

NM_000548.5(TSC2):c.2220+5C>T

Gene: TSC2 (TSC complex subunit 2; plus strand). Cytogenetic location: 16p13.3.
Variant type: single nucleotide variant.
Coding change: c.2220+5C>T on transcript NM_000548.5 (MANE Select); 5 bases into the intron after coding-DNA position 2220, C replaced by T.
Molecular consequence: intron variant.
Genome position (GRCh38, 1-based): chr16:2,072,368, C>T. VCF-style: chr16-2072368-C-T. GRCh37 (hg19) VCF-style: chr16-2122369-C-T.
Other names: c.2220+5C>T (NM_001114382.3, NM_021055.3, NM_001370405.1 and 3 more transcripts); c.2109+5C>T (NM_001318827.2); c.1620+5C>T (NM_001318831.2); c.2073+5C>T (NM_001318829.2); c.2253+5C>T (NM_001318832.2).
Identifiers: ClinVar variation 820917 (VCV000820917.14), dbSNP rs1164941572, ClinGen allele CA620375125.